The following is an entry in ClinVar:

ClinVar aggregate classification (germline): Likely pathogenic (1 of 4 stars; one submission).

Conditions:
Holoprosencephaly 5 (HPE5). Identifiers: Orphanet 2162, MedGen C1864827, MONDO:0012322, OMIM 609637.

Submission:

Women's Health and Genetics/Laboratory Corporation of America, LabCorp
Classification: Likely pathogenic for Holoprosencephaly 5. Last evaluated: 2023-03-15. Review status: criteria provided, single submitter. Criteria: LabCorp Variant Classification Summary - May 2015. Collection method: clinical testing. Allele origin: germline.
Comment: Variant summary: ZIC2 c.1004delG (p.Cys335SerfsX78) results in a premature termination codon, predicted to cause a truncation of the encoded protein, which is a commonly known mechanism for disease. Truncating variants downstream of this position have been classified as pathogenic in ClinVar and have been reported in association with Holoprosencephaly in HGMD. The variant was absent in 251422 control chromosomes. To our knowledge, no occurrence of c.1004delG in individuals affected with Holoprosencephaly 5 and no experimental evidence demonstrating its impact on protein function have been reported. No clinical diagnostic laboratories have submitted clinical-significance assessments for this variant to ClinVar after 2014. Based on the evidence outlined above, the variant was classified as likely pathogenic.

NM_007129.5(ZIC2):c.1004del (p.Cys335fs)

Gene: ZIC2 (Zic family member 2; plus strand). Cytogenetic location: 13q32.3.
Variant type: Deletion.
Coding change: c.1004del on transcript NM_007129.5 (MANE Select); coding-DNA position 1004, one base deleted (G; older notation c.1004delG).
Protein change: p.Cys335fs; shifts the reading frame from cysteine 335.
Molecular consequence: frameshift variant.
Genome position (GRCh38, 1-based): chr13:99,983,068, G deleted. VCF-style (leftmost placement, unchanged base first): chr13-99983067-TG-T. GRCh37 (hg19) VCF-style: chr13-100635321-TG-T.
Other names: short protein forms C335fs.
Identifiers: ClinVar variation 2501190 (VCV002501190.1), dbSNP rs2501545280, ClinGen allele CA2580614752.